The following is an entry in ClinVar:

NM_018100.4(EFHC1):c.1639A>G (p.Ser547Gly)

Gene: EFHC1 (EF-hand domain containing 1; plus strand). Cytogenetic location: 6p12.2.
Variant type: single nucleotide variant.
Coding change: c.1639A>G on transcript NM_018100.4 (MANE Select); coding-DNA position 1639, A replaced by G.
Protein change: p.Ser547Gly; replaces serine 547 with glycine.
Molecular consequence: missense variant. On other transcripts: non-coding transcript variant (1).
Genome position (GRCh38, 1-based): chr6:52,479,786, A>G. VCF-style: chr6-52479786-A-G. GRCh37 (hg19) VCF-style: chr6-52344584-A-G.
Other names: c.1582A>G, p.Ser528Gly (NM_001172420.2); short protein forms S528G, S547G.
Identifiers: ClinVar variation 862136 (VCV000862136.15), dbSNP rs759767484, ClinGen allele CA3856141.

ClinVar aggregate classification (germline): Uncertain significance. Review status: criteria provided, multiple submitters, no conflicts (2 of 4 stars). 3 submissions from 3 submitters: Uncertain significance (3). Last evaluated 2022-10-24.

Conditions:
Absence seizure. Also called: Absence epilepsy. Identifiers: Orphanet 1941, MedGen C0014553.
Myoclonic epilepsy, juvenile, susceptibility to, 1. Also called: Myoclonic Epilepsy, Juvenile, 1; EJM1. Identifiers: MedGen C1850778, MONDO:0020752, OMIM 254770.

Allele frequency attached by ClinVar (database versions not stated): ExAC 0.00002; gnomAD 0.00003; gnomAD exomes 0.00003; TOPMed 0.00003.
gnomAD v4.1: 55 of 1,613,950 alleles (0.0034%); highest among the groups gnomAD compares: Middle Eastern, 0.033%; no homozygotes.

Submissions (4):

Labcorp Genetics (formerly Invitae), Labcorp
Classification: Uncertain significance for Myoclonic epilepsy, juvenile, susceptibility to, 1; Absence seizure. Last evaluated: 2022-10-24. Review status: criteria provided, single submitter. Criteria: Invitae Variant Classification Sherloc (09022015). Collection method: clinical testing. Allele origin: germline.
Comment: This sequence change replaces serine, which is neutral and polar, with glycine, which is neutral and non-polar, at codon 547 of the EFHC1 protein (p.Ser547Gly). This variant is present in population databases (rs759767484, gnomAD 0.009%). This variant has not been reported in the literature in individuals affected with EFHC1-related conditions. ClinVar contains an entry for this variant (Variation ID: 862136). Algorithms developed to predict the effect of missense changes on protein structure and function output the following: SIFT: "Tolerated"; PolyPhen-2: "Benign"; Align-GVGD: "Class C0". The glycine amino acid residue is found in multiple mammalian species, which suggests that this missense change does not adversely affect protein function. In summary, the available evidence is currently insufficient to determine the role of this variant in disease. Therefore, it has been classified as a Variant of Uncertain Significance.

Institute for Clinical Genetics, University Hospital TU Dresden, University Hospital TU Dresden
Classification: Uncertain significance. Last evaluated: 2021-11-03. Review status: criteria provided, single submitter. Criteria: ACMG Guidelines, 2015. Collection method: clinical testing. Allele origin: germline.

Ambry Genetics
Classification: Uncertain significance. Last evaluated: 2021-10-06. Review status: criteria provided, single submitter. Criteria: Ambry Variant Classification Scheme 2023. Collection method: clinical testing. Allele origin: germline.

Dr. Peter K. Rogan Lab, Western University
No classification provided (evidence only). Condition: Lymphoma. Review status: no classification provided. Collection method: in vitro. Allele origin: not applicable. Functional consequence: skipped exon, retained intron. Not counted in ClinVar's aggregate classification.